The following is an entry in ClinVar:

ClinVar aggregate classification (germline): Uncertain significance (1 of 4 stars; one submission).

Conditions:
POLD1-related polyposis and colorectal cancer syndrome (CRCS10). Also called: Colorectal cancer 10; COLORECTAL CANCER, SUSCEPTIBILITY TO, ON CHROMOSOME 19q; Colorectal cancer, susceptibility to, 10. Identifiers: Orphanet 220460, MedGen C2675481, MONDO:0012953, OMIM 612591.

Submission:

Labcorp Genetics (formerly Invitae), Labcorp
Classification: Uncertain significance for POLD1-related polyposis and colorectal cancer syndrome. Last evaluated: 2021-05-25. Review status: criteria provided, single submitter. Criteria: Invitae Variant Classification Sherloc (09022015). Collection method: clinical testing. Allele origin: germline.
Comment: Missense variants that disrupt the 3'-5' exonuclease (proof-reading) activity of the POLD1 protein, while not abolishing its polymerase enzyme activity, are associated with an increased risk for colonic adenomatous polyps and colon cancer (PMID: 23263490, 23447401). Loss-of-function truncating variants, which result in an absent or severely disrupted POLD1 protein, are therefore unlikely to be associated with disease. Without further clinical and genetic evidence, however, this variant has been classified as a Variant of Uncertain Significance. This variant has not been reported in the literature in individuals with POLD1-related conditions. This variant is not present in population databases (ExAC no frequency). This sequence change creates a premature translational stop signal (p.Asn501Thrfs*13) in the POLD1 gene. It is expected to result in an absent or disrupted protein product.

Literature cited by the submitters: PubMed 23263490; PubMed 23447401.

NM_002691.4(POLD1):c.1502del (p.Asn501fs)

Gene: POLD1 (DNA polymerase delta 1, catalytic subunit; plus strand). Cytogenetic location: 19q13.33.
Variant type: Deletion.
Coding change: c.1502del on transcript NM_002691.4 (MANE Select); coding-DNA position 1502, one base deleted (A; older notation c.1502delA).
Protein change: p.Asn501fs; shifts the reading frame from asparagine 501.
Molecular consequence: frameshift variant. On other transcripts: non-coding transcript variant (1).
Genome position (GRCh38, 1-based): chr19:50,406,990, A deleted; the last of 2 consecutive A bases (chr19:50,406,989-50,406,990); deleting either gives the same sequence. VCF-style (leftmost placement, unchanged base first): chr19-50406988-GA-G. GRCh37 (hg19) VCF-style: chr19-50910245-GA-G.
Other names: c.1502del, p.Asn501fs (NM_001256849.1, NM_001308632.1); short protein forms N501fs.
Identifiers: ClinVar variation 1443900 (VCV001443900.8), dbSNP rs2122335774, ClinGen allele CA2573156691.